The following is an entry in ClinVar:

ClinVar aggregate classification (germline): Pathogenic (1 of 4 stars; one submission).

Allele frequency attached by ClinVar (database versions not stated): gnomAD exomes below 0.00001.

Submission:

Labcorp Genetics (formerly Invitae), Labcorp
Classification: Pathogenic. Last evaluated: 2023-12-19. Review status: criteria provided, single submitter. Criteria: Invitae Variant Classification Sherloc (09022015). Collection method: clinical testing. Allele origin: germline.
Comment: This sequence change creates a premature translational stop signal (p.Val2804*) in the EYS gene. While this is not anticipated to result in nonsense mediated decay, it is expected to disrupt the last 341 amino acid(s) of the EYS protein. This variant is not present in population databases (gnomAD no frequency). This variant has not been reported in the literature in individuals affected with EYS-related conditions. This variant disrupts a region of the EYS protein in which other variant(s) (p.Tyr3135*) have been determined to be pathogenic (PMID: 18976725, 29159838, 30337596, 31074760). This suggests that this is a clinically significant region of the protein, and that variants that disrupt it are likely to be disease-causing. For these reasons, this variant has been classified as Pathogenic.

Literature cited by the submitters: PubMed 18976725; PubMed 29159838; PubMed 30337596; PubMed 31074760.

NM_001142800.2(EYS):c.8410del (p.Asn2803_Val2804insTer)

Genes: EYS (EGF-like photoreceptor maintenance factor; minus strand), PHF3 (PHD finger protein 3; plus strand). Cytogenetic location: 6q12.
Variant type: Deletion.
Coding change: c.8410del on transcript NM_001142800.2 (MANE Select); coding-DNA position 8410, one base deleted (G; older notation c.8410delG).
Protein change: p.Asn2803_Val2804insTer.
Molecular consequence: nonsense. On other transcripts: 3 prime UTR variant (5).
Genome position (GRCh38, 1-based): chr6:63,721,621, C deleted on the plus strand (G on the coding strand, the reverse complement: EYS is on the minus strand). VCF-style (leftmost placement, unchanged base first): chr6-63721620-AC-A. GRCh37 (hg19) VCF-style: chr6-64431516-AC-A.
Other names: c.*7913del (NM_001290259.2, NM_001370348.2, NM_001370349.2 and 2 more transcripts); c.8473del, p.Asn2824_Val2825insTer (NM_001292009.2).
Identifiers: ClinVar variation 2829159 (VCV002829159.3), dbSNP rs2533392438, ClinGen allele CA2679279897.